The following is an entry in ClinVar:

ClinVar aggregate classification (germline): Uncertain significance. Review status: criteria provided, multiple submitters, no conflicts (2 of 4 stars). 4 submissions from 4 submitters: Uncertain significance (4). Last evaluated 2023-12-11.

Conditions:
Inborn genetic diseases. Identifiers: MedGen C0950123, MeSH D030342.
Retinal cone dystrophy 4 (RCD4). Identifiers: Orphanet 1872, MedGen C1864849, MONDO:0012507, OMIM 610478.

Allele frequency attached by ClinVar (database versions not stated): TOPMed below 0.00001; gnomAD 0.00001; gnomAD exomes 0.00003 and 0.00005; ExAC 0.00004.
gnomAD v4.1: 45 of 1,560,620 alleles (0.0029%); highest among the groups gnomAD compares: South Asian, 0.041%; no homozygotes.

Submissions (4):

Labcorp Genetics (formerly Invitae), Labcorp
Classification: Uncertain significance. Last evaluated: 2023-12-11. Review status: criteria provided, single submitter. Criteria: Invitae Variant Classification Sherloc (09022015). Collection method: clinical testing. Allele origin: germline.
Comment: This sequence change replaces arginine, which is basic and polar, with cysteine, which is neutral and slightly polar, at codon 863 of the CACNA2D4 protein (p.Arg863Cys). This variant is present in population databases (rs775588255, gnomAD 0.03%). This variant has not been reported in the literature in individuals affected with CACNA2D4-related conditions. ClinVar contains an entry for this variant (Variation ID: 882804). An algorithm developed to predict the effect of missense changes on protein structure and function (PolyPhen-2) suggests that this variant is likely to be disruptive. In summary, the available evidence is currently insufficient to determine the role of this variant in disease. Therefore, it has been classified as a Variant of Uncertain Significance.

Blueprint Genetics
Classification: Uncertain significance. Last evaluated: 2023-06-15. Review status: criteria provided, single submitter. Criteria: ACMG Guidelines, 2015. Collection method: clinical testing. Allele origin: germline.

Ambry Genetics
Classification: Uncertain significance for Inborn genetic diseases. Last evaluated: 2021-08-30. Review status: criteria provided, single submitter. Criteria: Ambry Variant Classification Scheme 2023. Collection method: clinical testing. Allele origin: germline.

Illumina Laboratory Services, Illumina
Classification: Uncertain significance for Retinal cone dystrophy 4. Last evaluated: 2018-01-12. Review status: criteria provided, single submitter. Criteria: ICSL Variant Classification Criteria 13 December 2019. Collection method: clinical testing. Allele origin: germline.

NM_172364.5(CACNA2D4):c.2587C>T (p.Arg863Cys)

Gene: CACNA2D4 (calcium voltage-gated channel auxiliary subunit alpha2delta 4; minus strand). Cytogenetic location: 12p13.33.
Variant type: single nucleotide variant.
Coding change: c.2587C>T on transcript NM_172364.5 (MANE Select); coding-DNA position 2587, C replaced by T.
Protein change: p.Arg863Cys; replaces arginine 863 with cysteine.
Molecular consequence: missense variant.
Genome position (GRCh38, 1-based): chr12:1,811,688, G>A on the plus strand (C>T on the coding strand, the complement: CACNA2D4 is on the minus strand). VCF-style: chr12-1811688-G-A. GRCh37 (hg19) VCF-style: chr12-1920854-G-A.
Other names: short protein forms R863C.
Identifiers: ClinVar variation 882804 (VCV000882804.14), dbSNP rs775588255, ClinGen allele CA6386301.
Genomic context (GRCh38, chr12:1,811,688, plus strand): 5'-CCCCAGCCCCGACCTGGCCCGACATCACACCTACCTGCCGCGTTGCCGCCCAGAATTTGC[G>A]CTGGAGGAATTCCAGCTTCATTTGGACGCCCGCGGCTACAGGGCAGAAAGAGAGAGGGCA-3'
Protein context (NP_758952.4, residues 853-873): GVQMKLEFLQ[Arg863Cys]KFWAATRQCS